The following is an entry in ClinVar:

NM_001365536.1(SCN9A):c.4195_4196del (p.Leu1399fs)

Genes: SCN9A (sodium voltage-gated channel alpha subunit 9; minus strand), SCN1A-AS1 (SCN1A and SCN9A antisense RNA 1; plus strand). Cytogenetic location: 2q24.3.
Variant type: Microsatellite.
Coding change: c.4195_4196del on transcript NM_001365536.1 (MANE Select); coding-DNA positions 4195 to 4196, 2 bases deleted (CT; older notation c.4195_4196delCT).
Protein change: p.Leu1399fs; shifts the reading frame from leucine 1399.
Molecular consequence: frameshift variant.
Genome position (GRCh38, 1-based): chr2:166,228,701-166,228,702, AG deleted on the plus strand (CT on the coding strand, the reverse complement: SCN9A is on the minus strand); deleting any 2 consecutive bases within chr2:166,228,701-166,228,705 gives the same sequence; the c. name uses the placement nearest the transcript's 3' end. VCF-style (leftmost placement, unchanged base first): chr2-166228700-CAG-C. GRCh37 (hg19) VCF-style: chr2-167085210-CAG-C.
Other names: c.4159_4160TC[1], p.Leu1388Alafs (NM_002977.4); short protein forms L1388fs, L1399fs.
Identifiers: ClinVar variation 1378654 (VCV001378654.6), dbSNP rs2106387246, ClinGen allele CA2580614392.

ClinVar aggregate classification (germline): Pathogenic (1 of 4 stars; one submission).

Conditions:
Generalized epilepsy with febrile seizures plus, type 7 (GEFSP7). Also called: GEFS+, TYPE 7. Identifiers: Orphanet 36387, MedGen C2751778, MONDO:0013470, OMIM 613863.
Neuropathy, hereditary sensory and autonomic, type 2A (HSAN2A). Also called: NEUROPATHY, CONGENITAL SENSORY; NEUROPATHY, HEREDITARY SENSORY RADICULAR, AUTOSOMAL RECESSIVE; NEUROPATHY, HEREDITARY SENSORY, TYPE IIA; NEUROPATHY, PROGRESSIVE SENSORY, OF CHILDREN; HSAN IIA; MORVAN DISEASE. Identifiers: Orphanet 970, MedGen C2752089, MONDO:0024309, OMIM 201300.

Submission:

Labcorp Genetics (formerly Invitae), Labcorp
Classification: Pathogenic for Neuropathy, hereditary sensory and autonomic, type 2A; Generalized epilepsy with febrile seizures plus, type 7. Last evaluated: 2021-02-14. Review status: criteria provided, single submitter. Criteria: Invitae Variant Classification Sherloc (09022015). Collection method: clinical testing. Allele origin: germline.
Comment: For these reasons, this variant has been classified as Pathogenic. This variant has not been reported in the literature in individuals with SCN9A-related conditions. This variant is not present in population databases (ExAC no frequency). This sequence change creates a premature translational stop signal (p.Leu1388Alafs*7) in the SCN9A gene. It is expected to result in an absent or disrupted protein product. Loss-of-function variants in SCN9A are known to be pathogenic (PMID: 17470132, 19304393).

Literature cited by the submitters: PubMed 17470132; PubMed 19304393.